The following continues an entry in ClinVar:

NM_001492.6(GDF1):c.681C>A (p.Cys227Ter)

ClinVar aggregate classification (germline): Pathogenic/Likely pathogenic. Pathogenic (11); Likely pathogenic (5).

Submissions 14 to 19 of 19:

Victorian Clinical Genetics Services, Murdoch Childrens Research Institute
Classification: Pathogenic for Congenital heart defects, multiple types, 6. Last evaluated: 2020-10-19. Review status: criteria provided, single submitter. Criteria: ACMG Guidelines, 2015. Collection method: clinical testing. Allele origin: germline. Inheritance: Autosomal recessive inheritance.
Comment: Based on the classification scheme VCGS_Germline_v1.3.3, this variant is classified as 5-pathogenic. Following criteria are met: 0102 - Loss of function is a known mechanism of disease in this gene and is associated with right atrial isomerism (MIM#208530). Although loss of function has been demonstrated for missense variants, there is currently limited evidence demonstrating loss of function for truncating variants (PMIDs: 1792434; 20413652). (I) 0106 - This gene is associated with autosomal recessive disease. This gene has also been associated right atrial isomerism (Ivemark) (RAI) (MIM#208530) and congenital heart defects, multiple types, 6 (MIM#613854) (OMIM; PMID: 28991257) (I) 0204 - Variant is predicted to result in a truncated protein (premature termination codon is NOT located at least 54 nucleotides upstream of the final exon-exon junction) with at least 1/3 of the protein sequence affected. This variant might also affect the production of active protein although there is currently no functional evidence demonstrating this (PMID: 1792434; 20413652). (SP) 0251 - This variant is heterozygous. (I) 0304 - Variant is present in gnomAD <0.01 for a recessive condition (13 heterozygotes, 0 homozygotes). (SP) 0702 - Other protein truncating variants comparable to the one identified in this case have strong previous evidence for pathogenicity. There are two protein truncating variants downstream of our variant of interest (ClinVar, Decipher). (SP) 0801 - This variant has strong previous evidence of pathogenicity in unrelated individuals. This variant has been identified in 4 unrelated individuals with right atrial isomerism (MIM#208530) and a single patient with congenital heart defect (MIM#613854) (ClinVar, PMIDs: 1792434, 20413652, 32144877). (SP) 0901 - This variant has strong evidence for segregation with disease. This variant has been shown to segregate with disease in one family with five individuals diagnosed with right atrial isomerism (MIM#208530) (PMID: 20413652). (SP) 1007 - No published functional evidence has been identified for this variant. (I) 1101 - Very strong and specific phenotype match for this individual's fetus. (SP) 1201 - Heterozygous variant detected in trans with a second pathogenic heterozygous variant (c.1047_1050delCTTT; p.(Phe349Leufs*35)) in a recessive disease (reported by Invitae #RQ1502139). (SP) 1205 - This variant has been shown to be paternally inherited in the fetus with symptoms consistent with congenital heart defects or heterotaxy (reported by Invitae #RQ1502139). (I) Legend: (SP) - Supporting pathogenic, (I) - Information, (SB) - Supporting benign

Institute of Human Genetics, Medical University Innsbruck
Classification: Pathogenic for Right atrial isomerism. Review status: criteria provided, single submitter. Criteria: ACMG Guidelines, 2015. Collection method: clinical testing. Allele origin: germline. Affected: yes.

Rady Children's Institute for Genomic Medicine, Rady Children's Hospital San Diego
Classification: Likely pathogenic for GDF1-RELATED DISORDERS. Review status: criteria provided, single submitter. Criteria: ACMG Guidelines, 2015. Collection method: clinical testing. Allele origin: germline. Affected: yes.
Comment: This nonsense variant is found in the last exon of GDF1 and is therefore predicted to escape nonsense-mediated mRNA decay (NMD). This variant has been previously reported as a heterozygous change in an individual with transposition of the great arteries (PMID: 17924340), and as a compound heterozygous change in patients with cardiac defects (PMID: 20413652, 28991257), including five siblings with right atrial isomerism, who harbored a frameshift variant on the opposite GDF1 allele; the parent who was heterozygous for the p.Cys227Ter variant was unaffected (PMID: 20413652). Heterozygous loss-of-function mutations in GDF1 are a known mechanism of cardiac defects ranging from tetralogy of Fallot to transposition of the great arteries (PMID: 17924340, 28991257, 23410880). The c.681C>A (p.Cys227Ter) variant is present in the heterozygous state in the gnomAD population database at a frequency of 0.05% (13/25686) and thus is presumed to be rare. Based on the available evidence, the c.681C>A (p.Cys227Ter) variant is classified as Likely Pathogenic.

PreventionGenetics, part of Exact Sciences
Classification: Pathogenic for GDF1-related condition. Last evaluated: 2024-06-21. Review status: no assertion criteria provided. Collection method: clinical testing. Allele origin: germline. Not counted in ClinVar's aggregate classification.
Comment: The GDF1 c.681C>A variant is predicted to result in premature protein termination (p.Cys227*). This variant has previously been reported in the heterozygous state in an individual with transposition of the great arteries (Kakera et al. 2007. PubMed ID: 17924340). This variant was also reported in an individual with conotruncal defects. The variant was inherited; however, the phenotype of the parents was not provided (Patient 1-05514 - Table S1/S7 - Jin et al. 2017. PubMed ID: 28991257). In the compound heterozygous state this variant was found in five siblings with right atrial isomerism (Kaasinen et al. 2010. PubMed ID: 20413652) and an individual with heterotaxy (Patient 1-05386 - Table S1/S3 - Jin et al. 2017. PubMed ID: 28991257). The parents of the five siblings with right atrial isomerism were reported to be unaffected (Kaasinen et al. 2010. PubMed ID: 20413652). Of note, this variant is in 13 out of 25,686 alleles (~0.05%) in the gnomAD database; however, this may not be accurate due to low sequence coverage in this region. Nonsense variants in GDF1 are expected to be pathogenic for autosomal recessive disease; however, their role in autosomal dominant disease is uncertain. This variant is interpreted as pathogenic.

OMIM
Classification: Pathogenic for TRANSPOSITION OF THE GREAT ARTERIES. Last evaluated: 2010-07-15. Review status: no assertion criteria provided. Collection method: literature only. Allele origin: germline. Not counted in ClinVar's aggregate classification.

OMIM
Classification: Pathogenic for RIGHT ATRIAL ISOMERISM. Last evaluated: 2010-07-15. Review status: no assertion criteria provided. Collection method: literature only. Allele origin: germline. Not counted in ClinVar's aggregate classification.

Literature cited by the submitters: PubMed 20413652 (cited by 5 submitters); PubMed 28991257 (cited by 4 submitters); PubMed 14648004 (cited by Equipe Genetique des Anomalies du Developpement, Université de Bourgogne and OMIM); PubMed 17924340 (cited by 3 submitters); PubMed 17936261 (cited by Labcorp Genetics (formerly Invitae), Labcorp); PubMed 32144877 (cited by Victorian Clinical Genetics Services, Murdoch Childrens Research Institute); PubMed 1792434 (cited by Victorian Clinical Genetics Services, Murdoch Childrens Research Institute).